The following is an entry in ClinVar:

NM_020207.7(ERCC6L2):c.3022G>A (p.Glu1008Lys)

Gene: ERCC6L2 (ERCC excision repair 6 like 2; plus strand). Cytogenetic location: 9q22.32.
Variant type: single nucleotide variant.
Coding change: c.3022G>A on transcript NM_020207.7 (MANE Select); coding-DNA position 3022, G replaced by A.
Protein change: p.Glu1008Lys; replaces glutamic acid 1008 with lysine.
Molecular consequence: missense variant. On other transcripts: non-coding transcript variant (1).
Genome position (GRCh38, 1-based): chr9:95,972,773, G>A. VCF-style: chr9-95972773-G-A. GRCh37 (hg19) VCF-style: chr9-98735055-G-A.
Other names: c.3022G>A, p.Glu1008Lys (NM_001375291.1, NM_001375292.1, NM_001375293.1 and 1 more transcripts); short protein forms E1008K.
Identifiers: ClinVar variation 4710140 (VCV004710140.1).
Genomic context (GRCh38, chr9:95,972,773, plus strand): 5'-ATTTCTTCCAAGTCAAGAGTAAGAAAGAGAGCTAGTTCATTGAGGTTTAAGAGAATAAAA[G>A]AAACCAAAAAAGAACTTCACAATTCTCCCAAAACAATGAACAAAACAAACCAAGTGTATG-3'
Protein context (NP_064592.3, residues 998-1018): ASSLRFKRIK[Glu1008Lys]TKKELHNSPK

ClinVar aggregate classification (germline): Uncertain significance (1 of 4 stars; one submission).

Submission:

Labcorp Genetics (formerly Invitae), Labcorp
Classification: Uncertain significance. Last evaluated: 2025-06-06. Review status: criteria provided, single submitter. Criteria: Invitae Variant Classification Sherloc (09022015). Collection method: clinical testing. Allele origin: germline.
Comment: This sequence change replaces glutamic acid, which is acidic and polar, with lysine, which is basic and polar, at codon 1019 of the ERCC6L2 protein (p.Glu1019Lys). This variant is not present in population databases (gnomAD no frequency). This variant has not been reported in the literature in individuals affected with ERCC6L2-related conditions. Experimental studies and prediction algorithms are not available or were not evaluated, and the functional significance of this variant is currently unknown. In summary, the available evidence is currently insufficient to determine the role of this variant in disease. Therefore, it has been classified as a Variant of Uncertain Significance.